The following is an entry in ClinVar:

ClinVar aggregate classification (germline): Uncertain significance (1 of 4 stars; one submission).

Conditions:
Neuropathy, hereditary sensory, type 2C. Also called: KIF1A-Related HSAN2 (HSAN2C); Hereditary sensory and autonomic neuropathy type IIC. Identifiers: Orphanet 970, MedGen C3280168, MONDO:0013634, OMIM 614213.
Hereditary spastic paraplegia 30. Identifiers: Orphanet 101010, MedGen C5235139, MONDO:0012476.
Intellectual disability, autosomal dominant 9 (NESCAVS). Also called: NESCAV SYNDROME; KIF1A-Related Neurodevelopmental Disorder. Identifiers: Orphanet 662367, MedGen C5393830, MONDO:0013656, OMIM 614255.

Submission:

Labcorp Genetics (formerly Invitae), Labcorp
Classification: Uncertain significance for Hereditary spastic paraplegia 30; Neuropathy, hereditary sensory, type 2C; Intellectual disability, autosomal dominant 9. Last evaluated: 2023-02-01. Review status: criteria provided, single submitter. Criteria: Invitae Variant Classification Sherloc (09022015). Collection method: clinical testing. Allele origin: germline.
Comment: This sequence change replaces glutamic acid, which is acidic and polar, with glutamine, which is neutral and polar, at codon 422 of the KIF1A protein (p.Glu422Gln). This variant is not present in population databases (gnomAD no frequency). This variant has not been reported in the literature in individuals affected with KIF1A-related conditions. Advanced modeling of protein sequence and biophysical properties (such as structural, functional, and spatial information, amino acid conservation, physicochemical variation, residue mobility, and thermodynamic stability) performed at Invitae indicates that this missense variant is expected to disrupt KIF1A protein function. In summary, the available evidence is currently insufficient to determine the role of this variant in disease. Therefore, it has been classified as a Variant of Uncertain Significance.

NM_001244008.2(KIF1A):c.1291G>C (p.Glu431Gln)

Gene: KIF1A (kinesin family member 1A; minus strand). Cytogenetic location: 2q37.3.
Variant type: single nucleotide variant.
Coding change: c.1291G>C on transcript NM_001244008.2 (MANE Select); coding-DNA position 1291, G replaced by C.
Protein change: p.Glu431Gln; replaces glutamic acid 431 with glutamine.
Molecular consequence: missense variant.
Genome position (GRCh38, 1-based): chr2:240,771,021, C>G on the plus strand (G>C on the coding strand, the complement: KIF1A is on the minus strand). VCF-style: chr2-240771021-C-G. GRCh37 (hg19) VCF-style: chr2-241710438-C-G.
Other names: c.1366G>C, p.Glu456Gln (NM_001379635.1, NM_001379646.1, NM_001330290.2 and 2 more transcripts); c.1264G>C, p.Glu422Gln (NM_001379636.1, NM_001379639.1, NM_001379640.1 and 11 more transcripts); c.1339G>C, p.Glu447Gln (NM_001379637.1, NM_001379648.1); c.1291G>C, p.Glu431Gln (NM_001379638.1, NM_001320705.2, NM_001330289.2); short protein forms E431Q, E422Q, E447Q, E456Q.
Identifiers: ClinVar variation 2943834 (VCV002943834.3), dbSNP rs1215532195, ClinGen allele CA351330507.